The following is an entry in ClinVar:

ClinVar aggregate classification (germline): Uncertain significance. Review status: criteria provided, multiple submitters, no conflicts (2 of 4 stars). 5 submissions from 5 submitters: Uncertain significance (5). Last evaluated 2025-11-24.

Conditions:
MYL3-related disorder. Also called: MYL3-related condition.
Cardiovascular phenotype. Identifiers: MedGen CN230736.
Hypertrophic cardiomyopathy 8. Also called: MYL3-Related Familial Hypertrophic Cardiomyopathy; CARDIOMYOPATHY, HYPERTROPHIC, MID-LEFT VENTRICULAR CHAMBER TYPE, 1. Identifiers: MedGen C1837471, MONDO:0012111, OMIM 608751.
Hypertrophic cardiomyopathy. Also called: HYPERTROPHIC MYOCARDIOPATHY. Identifiers: Orphanet 217569, MedGen C0007194, MeSH D002312, MONDO:0005045, HP:0001639.

Allele frequency attached by ClinVar (database versions not stated): ESP Exome Variant Server 0.00008.
gnomAD v4.1: 1 of 1,613,938 alleles (0.000062%); highest among the groups gnomAD compares: African/African-American, 0.0013%; no homozygotes.

Submissions (5):

Labcorp Genetics (formerly Invitae), Labcorp
Classification: Uncertain significance for Hypertrophic cardiomyopathy. Last evaluated: 2025-11-24. Review status: criteria provided, single submitter. Criteria: Invitae Variant Classification Sherloc (09022015). Collection method: clinical testing. Allele origin: germline.
Comment: This sequence change replaces alanine, which is neutral and non-polar, with valine, which is neutral and non-polar, at codon 57 of the MYL3 protein (p.Ala57Val). This variant is present in population databases (rs139794067, gnomAD 0.01%). This variant has not been reported in the literature in individuals affected with MYL3-related conditions. ClinVar contains an entry for this variant (Variation ID: 639935). An algorithm developed to predict the effect of missense changes on protein structure and function (PolyPhen-2) suggests that this variant is likely to be tolerated. In summary, the available evidence is currently insufficient to determine the role of this variant in disease. Therefore, it has been classified as a Variant of Uncertain Significance.

PreventionGenetics, part of Exact Sciences
Classification: Uncertain significance for MYL3-related condition. Last evaluated: 2025-06-18. Review status: criteria provided, single submitter. Criteria: ACMG Guidelines, 2015. Collection method: clinical testing. Allele origin: germline.
Comment: The MYL3 c.170C>T variant is predicted to result in the amino acid substitution p.Ala57Val. To our knowledge, this variant has not been reported in the literature. This variant is reported in 0.012% of alleles in individuals of African descent in gnomAD. At this time, the clinical significance of this variant is uncertain due to the absence of conclusive functional and genetic evidence.

Ambry Genetics
Classification: Uncertain significance for Cardiovascular phenotype. Last evaluated: 2023-12-05. Review status: criteria provided, single submitter. Criteria: Ambry Variant Classification Scheme 2023. Collection method: clinical testing. Allele origin: germline.
Comment: The p.A57V variant (also known as c.170C>T), located in coding exon 3 of the MYL3 gene, results from a C to T substitution at nucleotide position 170. The alanine at codon 57 is replaced by valine, an amino acid with similar properties. This alteration has been reported in association with hypertrophic cardiomyopathy (HCM) (Magr&igrave; D et al. J Clin Med, 2020 May;9:; Chung H et al. Mitochondrion, 2020 Jul;53:48-56). This amino acid position is well conserved in available vertebrate species. In addition, the in silico prediction for this alteration is inconclusive. Since supporting evidence is limited at this time, the clinical significance of this alteration remains unclear.

All of Us Research Program, National Institutes of Health
Classification: Uncertain significance for Hypertrophic cardiomyopathy. Last evaluated: 2023-06-26. Review status: criteria provided, single submitter. Criteria: ACMG Guidelines, 2015. Collection method: clinical testing. Allele origin: germline. Inheritance: Autosomal dominant inheritance. Observed: 1 variant allele, 1 heterozygote.
Comment: This missense variant replaces alanine with valine at codon 57 of the MYL3 protein. Computational prediction is inconclusive regarding the impact of this variant on protein structure and function (internally defined REVEL score threshold 0.5 < inconclusive < 0.7, PMID: 27666373). To our knowledge, functional studies have not been reported for this variant. This variant has not been reported in individuals affected with MYL3-related disorders in the literature. This variant has been identified in 1/31340 chromosomes in the general population by the Genome Aggregation Database (gnomAD). The available evidence is insufficient to determine the role of this variant in disease conclusively. Therefore, this variant is classified as a Variant of Uncertain Significance.

This study involves interpretation of variants in research participants for the purpose of population health screening. Participant phenotype was not available at the time of variant classification. Additional details can be found in publication PMID: 35346344, PMCID: PMC8962531

Fulgent Genetics
Classification: Uncertain significance for Hypertrophic cardiomyopathy 8. Last evaluated: 2022-02-14. Review status: criteria provided, single submitter. Criteria: ACMG Guidelines, 2015. Collection method: clinical testing. Allele origin: unknown.

Literature cited by the submitters: PubMed 32380161 (cited by Ambry Genetics); PubMed 32481709 (cited by Ambry Genetics).

NM_000258.3(MYL3):c.170C>T (p.Ala57Val)

Gene: MYL3 (myosin light chain 3; minus strand). Cytogenetic location: 3p21.31.
Variant type: single nucleotide variant.
Coding change: c.170C>T on transcript NM_000258.3 (MANE Select); coding-DNA position 170, C replaced by T.
Protein change: p.Ala57Val; replaces alanine 57 with valine.
Molecular consequence: missense variant.
Genome position (GRCh38, 1-based): chr3:46,860,813, G>A on the plus strand (C>T on the coding strand, the complement: MYL3 is on the minus strand). VCF-style: chr3-46860813-G-A. GRCh37 (hg19) VCF-style: chr3-46902303-G-A.
Other names: short protein forms A57V.
Identifiers: ClinVar variation 639935 (VCV000639935.11), dbSNP rs139794067, ClinGen allele CA73779525.
Genomic context (GRCh38, chr3:46,860,813, plus strand): 5'-CCACACTGCCCGTAGGTGATCTTCATCTCACACTTGGGTGTGCGGTCGAACAGCATGAAG[G>A]CTTCCTTGAACTCTGCCAGGAGAGGGCAGTGAGCCACAGACACTCCCAGGGTCAGCCTAC-3'
Protein context (NP_000249.1, residues 47-67): TPEQIEEFKE[Ala57Val]FMLFDRTPKC